The following is an entry in ClinVar:

ClinVar aggregate classification (germline): Uncertain significance (1 of 4 stars; one submission).

Allele frequency attached by ClinVar (database versions not stated): gnomAD 0.00001; TOPMed 0.00001; ExAC 0.00002; ESP Exome Variant Server 0.00008; 1000 Genomes Project 30x 0.00016; 1000 Genomes Project 0.00020.
gnomAD v4.1: 44 of 1,613,988 alleles (0.0027%); highest among the groups gnomAD compares: African/African-American, 0.004%; no homozygotes.

Submissions (2):

Labcorp Genetics (formerly Invitae), Labcorp
Classification: Uncertain significance. Last evaluated: 2023-06-09. Review status: criteria provided, single submitter. Criteria: Invitae Variant Classification Sherloc (09022015). Collection method: clinical testing. Allele origin: germline.
Comment: In summary, the available evidence is currently insufficient to determine the role of this variant in disease. Therefore, it has been classified as a Variant of Uncertain Significance. Variants that disrupt the consensus splice site are a relatively common cause of aberrant splicing (PMID: 17576681, 9536098). Algorithms developed to predict the effect of sequence changes on RNA splicing suggest that this variant may create or strengthen a splice site. ClinVar contains an entry for this variant (Variation ID: 1926618). This variant has not been reported in the literature in individuals affected with MTHFD1-related conditions. This variant is present in population databases (rs150796086, gnomAD 0.008%). This sequence change affects codon 712 of the MTHFD1 mRNA. It is a 'silent' change, meaning that it does not change the encoded amino acid sequence of the MTHFD1 protein. This variant also falls at the last nucleotide of exon 21, which is part of the consensus splice site for this exon.

Dr. Peter K. Rogan Lab, Western University
No classification provided (evidence only). Condition: Ovarian serous cystadenocarcinoma. Review status: no classification provided. Collection method: in vitro. Allele origin: not applicable. Functional consequence: retained intron. Not counted in ClinVar's aggregate classification.

Literature cited by the submitters: PubMed 17576681 (cited by Labcorp Genetics (formerly Invitae), Labcorp); PubMed 9536098 (cited by Labcorp Genetics (formerly Invitae), Labcorp).

NM_005956.4(MTHFD1):c.2136G>A (p.Thr712=)

Gene: MTHFD1 (methylenetetrahydrofolate dehydrogenase, cyclohydrolase and formyltetrahydrofolate synthetase 1; plus strand). Cytogenetic location: 14q23.3.
Variant type: single nucleotide variant.
Coding change: c.2136G>A on transcript NM_005956.4 (MANE Select); coding-DNA position 2136, G replaced by A.
Protein change: p.Thr712=; no amino-acid change (threonine 712 retained).
Molecular consequence: synonymous variant.
Genome position (GRCh38, 1-based): chr14:64,442,402, G>A. VCF-style: chr14-64442402-G-A. GRCh37 (hg19) VCF-style: chr14-64909120-G-A.
Other names: c.2136G>A, p.Thr712= (NM_001364837.1).
Identifiers: ClinVar variation 1926618 (VCV001926618.6), dbSNP rs150796086, ClinGen allele CA7226493.